The following is an entry in ClinVar:

ClinVar aggregate classification (germline): Uncertain significance. Review status: criteria provided, multiple submitters, no conflicts (2 of 4 stars). 2 submissions from 2 submitters: Uncertain significance (2). Last evaluated 2025-05-28.

Conditions:
Inborn genetic diseases. Identifiers: MedGen C0950123, MeSH D030342.

Submissions (2):

GeneDx
Classification: Uncertain significance. Last evaluated: 2025-05-28. Review status: criteria provided, single submitter. Criteria: GeneDx Variant Classification Process June 2021. Collection method: clinical testing. Allele origin: germline. Affected: yes.
Comment: Not observed at significant frequency in large population cohorts (gnomAD); In silico analysis supports that this missense variant has a deleterious effect on protein structure/function; Has not been previously published as pathogenic or benign to our knowledge; This variant is associated with the following publications: (PMID: 25512093, 25609763, 26100331)

Ambry Genetics
Classification: Uncertain significance for Inborn genetic diseases. Last evaluated: 2023-07-31. Review status: criteria provided, single submitter. Criteria: Ambry Variant Classification Scheme 2023. Collection method: clinical testing. Allele origin: germline.

NM_001376.5(DYNC1H1):c.3063T>A (p.Asn1021Lys)

Gene: DYNC1H1 (dynein cytoplasmic 1 heavy chain 1; plus strand). Cytogenetic location: 14q32.31.
Variant type: single nucleotide variant.
Coding change: c.3063T>A on transcript NM_001376.5 (MANE Select); coding-DNA position 3063, T replaced by A.
Protein change: p.Asn1021Lys; replaces asparagine 1021 with lysine.
Molecular consequence: missense variant.
Genome position (GRCh38, 1-based): chr14:101,994,231, T>A. VCF-style: chr14-101994231-T-A. GRCh37 (hg19) VCF-style: chr14-102460568-T-A.
Other names: short protein forms N1021K.
Identifiers: ClinVar variation 2614965 (VCV002614965.3), dbSNP rs2503713283, ClinGen allele CA391032169.